The following is an entry in ClinVar:

NM_015650.4(IFT54):c.1911G>T (p.Arg637Ser)

Gene: IFT54 (intraflagellar transport 54; plus strand). Cytogenetic location: 2q37.3.
Variant type: single nucleotide variant.
Coding change: c.1911G>T on transcript NM_015650.4 (MANE Select); coding-DNA position 1911, G replaced by T.
Protein change: p.Arg637Ser; replaces arginine 637 with serine.
Molecular consequence: missense variant.
Genome position (GRCh38, 1-based): chr2:238,398,754, G>T. VCF-style: chr2-238398754-G-T. GRCh37 (hg19) VCF-style: chr2-239307395-G-T.
Other names: c.1713G>T, p.Arg571Ser (NM_001139490.1); short protein forms R637S, R571S.
Identifiers: ClinVar variation 1519343 (VCV001519343.5), dbSNP rs1161879996, ClinGen allele CA351246892.

ClinVar aggregate classification (germline): Conflicting classifications of pathogenicity. Review status: criteria provided, conflicting classifications (1 of 4 stars). 2 submissions from 2 submitters: Uncertain significance (1); Likely benign (1). Last evaluated 2022-10-20.

Allele frequency attached by ClinVar (database versions not stated): gnomAD exomes below 0.00001; gnomAD 0.00001; TOPMed 0.00001.

Submissions (2):

Blueprint Genetics
Classification: Likely benign. Last evaluated: 2022-10-20. Review status: criteria provided, single submitter. Criteria: ACMG Guidelines, 2015. Collection method: clinical testing. Allele origin: germline.

Labcorp Genetics (formerly Invitae), Labcorp
Classification: Uncertain significance. Last evaluated: 2022-08-16. Review status: criteria provided, single submitter. Criteria: Invitae Variant Classification Sherloc (09022015). Collection method: clinical testing. Allele origin: germline.
Comment: In summary, the available evidence is currently insufficient to determine the role of this variant in disease. Therefore, it has been classified as a Variant of Uncertain Significance. Algorithms developed to predict the effect of sequence changes on RNA splicing suggest that this variant may create or strengthen a splice site. Algorithms developed to predict the effect of missense changes on protein structure and function output the following: SIFT: "Tolerated"; PolyPhen-2: "Benign"; Align-GVGD: "Class C0". The serine amino acid residue is found in multiple mammalian species, which suggests that this missense change does not adversely affect protein function. ClinVar contains an entry for this variant (Variation ID: 1519343). This variant has not been reported in the literature in individuals affected with TRAF3IP1-related conditions. This variant is present in population databases (no rsID available, gnomAD 0.004%). This sequence change replaces arginine, which is basic and polar, with serine, which is neutral and polar, at codon 637 of the TRAF3IP1 protein (p.Arg637Ser).